The following is an entry in ClinVar:

NM_015634.4(KIFBP):c.973G>A (p.Ala325Thr)

Gene: KIFBP (kinesin family binding protein; plus strand). Cytogenetic location: 10q22.1.
Variant type: single nucleotide variant.
Coding change: c.973G>A on transcript NM_015634.4 (MANE Select); coding-DNA position 973, G replaced by A.
Protein change: p.Ala325Thr; replaces alanine 325 with threonine.
Molecular consequence: missense variant.
Genome position (GRCh38, 1-based): chr10:69,010,998, G>A. VCF-style: chr10-69010998-G-A. GRCh37 (hg19) VCF-style: chr10-70770754-G-A.
Other names: short protein forms A325T.
Identifiers: ClinVar variation 2173082 (VCV002173082.2), dbSNP rs769013695, ClinGen allele CA5529806.
Genomic context (GRCh38, chr10:69,010,998, plus strand): 5'-CAAAGAAAGGGGGAAATAGCAAGGTGCTGGATCAAATACTGTTTGACTCTCATGCAGAAT[G>A]CCCAACTCTCCATGCAGGTAATGCAGTCAGAAGCTGCCTTTTTCTTTCTTAAATGAGGAA-3'
Protein context (NP_056449.1, residues 315-335): IKYCLTLMQN[Ala325Thr]QLSMQDNIGE

ClinVar aggregate classification (germline): Uncertain significance (1 of 4 stars; one submission).

Allele frequency attached by ClinVar (database versions not stated): ExAC 0.00001; gnomAD 0.00001; gnomAD exomes 0.00002; TOPMed 0.00003.
gnomAD v4.1: 28 of 1,612,970 alleles (0.0017%); highest among the groups gnomAD compares: African/African-American, 0.0027%; no homozygotes.

Submission:

Labcorp Genetics (formerly Invitae), Labcorp
Classification: Uncertain significance. Last evaluated: 2022-03-02. Review status: criteria provided, single submitter. Criteria: Invitae Variant Classification Sherloc (09022015). Collection method: clinical testing. Allele origin: germline.
Comment: In summary, the available evidence is currently insufficient to determine the role of this variant in disease. Therefore, it has been classified as a Variant of Uncertain Significance. Algorithms developed to predict the effect of missense changes on protein structure and function are either unavailable or do not agree on the potential impact of this missense change (SIFT: "Deleterious"; PolyPhen-2: "Possibly Damaging"; Align-GVGD: "Class C0"). This variant has not been reported in the literature in individuals affected with KIF1BP-related conditions. This variant is present in population databases (rs769013695, gnomAD 0.0009%). This sequence change replaces alanine, which is neutral and non-polar, with threonine, which is neutral and polar, at codon 325 of the KIF1BP protein (p.Ala325Thr).